The following is an entry in ClinVar:

ClinVar aggregate classification (germline): Uncertain significance (1 of 4 stars; one submission).

Conditions:
Hereditary cancer-predisposing syndrome. Also called: Hereditary neoplastic syndrome; Neoplastic Syndromes, Hereditary; Tumor predisposition; Hereditary Cancer Syndrome. Identifiers: Orphanet 140162, MedGen C0027672, MeSH D009386, MONDO:0015356.

Submission:

Labcorp Genetics (formerly Invitae), Labcorp
Classification: Uncertain significance for Hereditary cancer-predisposing syndrome. Last evaluated: 2019-07-24. Review status: criteria provided, single submitter. Criteria: Invitae Variant Classification Sherloc (09022015). Collection method: clinical testing. Allele origin: germline.
Comment: This sequence change replaces aspartic acid with glycine at codon 549 of the RAD50 protein (p.Asp549Gly). The aspartic acid residue is moderately conserved and there is a moderate physicochemical difference between aspartic acid and glycine. In summary, the available evidence is currently insufficient to determine the role of this variant in disease. Therefore, it has been classified as a Variant of Uncertain Significance. Algorithms developed to predict the effect of sequence changes on RNA splicing suggest that this variant may create or strengthen a splice site, but this prediction has not been confirmed by published transcriptional studies. Algorithms developed to predict the effect of missense changes on protein structure and function (SIFT, PolyPhen-2, Align-GVGD) all suggest that this variant is likely to be tolerated, but these predictions have not been confirmed by published functional studies and their clinical significance is uncertain. This variant has not been reported in the literature in individuals with RAD50-related disease. This variant is not present in population databases (ExAC no frequency).

NM_005732.4(RAD50):c.1646A>G (p.Asp549Gly)

Gene: RAD50 (RAD50 double strand break repair protein; plus strand). Cytogenetic location: 5q31.1.
Variant type: single nucleotide variant.
Coding change: c.1646A>G on transcript NM_005732.4 (MANE Select); coding-DNA position 1646, A replaced by G.
Protein change: p.Asp549Gly; replaces aspartic acid 549 with glycine.
Molecular consequence: missense variant.
Genome position (GRCh38, 1-based): chr5:132,591,887, A>G. VCF-style: chr5-132591887-A-G. GRCh37 (hg19) VCF-style: chr5-131927579-A-G.
Other names: short protein forms D549G.
Identifiers: ClinVar variation 565994 (VCV000565994.11), dbSNP rs1561641004, ClinGen allele CA360946307.